The following is an entry in ClinVar:

ClinVar aggregate classification (germline): Uncertain significance. Review status: reviewed by expert panel (3 of 4 stars). 5 submissions from 5 submitters: Uncertain significance (1). 4 of the submissions do not count toward it. Last evaluated 2023-08-21.

Conditions:
CDH1-related diffuse gastric and lobular breast cancer syndrome. Also called: CDH1-related diffuse gastric and lobular breast cancer. Identifiers: MedGen CN311521, MONDO:0100488.
Hereditary cancer-predisposing syndrome. Also called: Hereditary neoplastic syndrome; Hereditary Cancer Syndrome; Neoplastic Syndromes, Hereditary; Tumor predisposition. Identifiers: Orphanet 140162, MedGen C0027672, MeSH D009386, MONDO:0015356.
Hereditary diffuse gastric adenocarcinoma (HDGC). Also called: DIFFUSE GASTRIC AND LOBULAR BREAST CANCER SYNDROME. Identifiers: Orphanet 26106, MedGen C1708349, MONDO:0007648, OMIM 137215.

Allele frequency attached by ClinVar (database versions not stated): gnomAD exomes below 0.00001; TOPMed below 0.00001; ExAC 0.00001.

Submissions (5):

Clingen Gastric Cancer Variant Curation Expert Panel
Classification: Uncertain significance for CDH1-related diffuse gastric and lobular breast cancer syndrome. Last evaluated: 2023-08-21. Review status: reviewed by expert panel. Criteria: ClinGen CDH1 ACMG Specifications V3.1. Collection method: curation. Allele origin: germline. Inheritance: Autosomal dominant inheritance.
Comment: The c.512T>G (p.Phe171Cys) variant has an allele frequency: 1:251320 (<one out 100.000 alleles) in the gnomAD cohort (PM2_Supporting). It has been observed in 4 probands w/o DGS, SRC tumor or LBC and whose families do not suggest HDGC (BS2_Supporting; SCV000572669.4, SCV000637836.3). In summary, this variant meets criteria to be classified as VUS based on the ACMG/AMP criteria applied as specified by the CDH1 Variant Curation Expert Panel (Variant Interpretation Guidelines Version 3.1): PM2_Supporting, BS2_Supporting.

Labcorp Genetics (formerly Invitae), Labcorp
Classification: Uncertain significance for Hereditary diffuse gastric adenocarcinoma. Last evaluated: 2025-05-05. Review status: criteria provided, single submitter. Criteria: Invitae Variant Classification Sherloc (09022015). Collection method: clinical testing. Allele origin: germline. Not counted in ClinVar's aggregate classification.
Comment: This sequence change replaces phenylalanine, which is neutral and non-polar, with cysteine, which is neutral and slightly polar, at codon 171 of the CDH1 protein (p.Phe171Cys). This variant is present in population databases (rs772622109, gnomAD 0.0009%). This variant has not been reported in the literature in individuals affected with CDH1-related conditions. ClinVar contains an entry for this variant (Variation ID: 423041). An algorithm developed to predict the effect of missense changes on protein structure and function (PolyPhen-2) suggests that this variant is likely to be disruptive. In summary, the available evidence is currently insufficient to determine the role of this variant in disease. Therefore, it has been classified as a Variant of Uncertain Significance.

Ambry Genetics
Classification: Uncertain significance for Hereditary cancer-predisposing syndrome. Last evaluated: 2025-04-10. Review status: criteria provided, single submitter. Criteria: Ambry Variant Classification Scheme 2023. Collection method: clinical testing. Allele origin: germline. Not counted in ClinVar's aggregate classification.
Comment: The p.F171C variant (also known as c.512T>G), located in coding exon 4 of the CDH1 gene, results from a T to G substitution at nucleotide position 512. The phenylalanine at codon 171 is replaced by cysteine, an amino acid with highly dissimilar properties. This amino acid position is well conserved in available vertebrate species. In addition, this alteration is predicted to be deleterious by in silico analysis. Since supporting evidence is limited at this time, the clinical significance of this alteration remains unclear.

Color Diagnostics, LLC DBA Color Health
Classification: Uncertain significance for Hereditary cancer-predisposing syndrome. Last evaluated: 2023-12-05. Review status: criteria provided, single submitter. Criteria: ACMG Guidelines, 2015. Collection method: clinical testing. Allele origin: germline. Not counted in ClinVar's aggregate classification.
Comment: This missense variant replaces phenylalanine with cysteine at codon 171 of the CDH1 protein. To our knowledge, functional studies have not been reported for this variant. This variant has not been reported in individuals affected with CDH1-related disorders in the literature. This variant has been identified in 1/251320 chromosomes in the general population by the Genome Aggregation Database (gnomAD). The available evidence is insufficient to determine the role of this variant in disease conclusively. Therefore, this variant is classified as a Variant of Uncertain Significance.

GeneDx
Classification: Uncertain significance. Last evaluated: 2020-03-27. Review status: criteria provided, single submitter. Criteria: GeneDx Variant Classification Process June 2021. Collection method: clinical testing. Allele origin: germline. Affected: yes. Not counted in ClinVar's aggregate classification.
Comment: Not observed at a significant frequency in large population cohorts (Lek 2016); In silico analysis supports that this missense variant has a deleterious effect on protein structure/function; Has not been previously published as pathogenic or benign to our knowledge

NM_004360.5(CDH1):c.512T>G (p.Phe171Cys)

Gene: CDH1 (cadherin 1; plus strand). Cytogenetic location: 16q22.1.
Variant type: single nucleotide variant.
Coding change: c.512T>G on transcript NM_004360.5 (MANE Select); coding-DNA position 512, T replaced by G.
Protein change: p.Phe171Cys; replaces phenylalanine 171 with cysteine.
Molecular consequence: missense variant. On other transcripts: 5 prime UTR variant (2).
Genome position (GRCh38, 1-based): chr16:68,808,548, T>G. VCF-style: chr16-68808548-T-G. GRCh37 (hg19) VCF-style: chr16-68842451-T-G.
Other names: c.512T>G (LRG_301t1); c.512T>G, p.Phe171Cys (NM_001317184.2); c.-1104T>G (NM_001317185.2); c.-1308T>G (NM_001317186.2); short protein forms F171C.
Identifiers: ClinVar variation 423041 (VCV000423041.21), dbSNP rs772622109, ClinGen allele CA8129871.
Genomic context (GRCh38, chr16:68,808,548, plus strand): 5'-GACAGAAGAGAGACTGGGTTATTCCTCCCATCAGCTGCCCAGAAAATGAAAAAGGCCCAT[T>G]TCCTAAAAACCTGGTTCAGGTAGAGAAAGAAGTTCTCTGTTTCTCTGGGAGGGATTTGGC-3'
Protein context (NP_004351.1, residues 161-181): ISCPENEKGP[Phe171Cys]PKNLVQIKSN